The following is an entry in ClinVar:

ClinVar aggregate classification (germline): Uncertain significance (1 of 4 stars; one submission).

Submission:

Labcorp Genetics (formerly Invitae), Labcorp
Classification: Uncertain significance. Last evaluated: 2021-12-11. Review status: criteria provided, single submitter. Criteria: Invitae Variant Classification Sherloc (09022015). Collection method: clinical testing. Allele origin: germline.
Comment: In summary, the available evidence is currently insufficient to determine the role of this variant in disease. Therefore, it has been classified as a Variant of Uncertain Significance. This variant has not been reported in the literature in individuals affected with TNNI3K-related conditions. This variant is a gross deletion of the genomic region encompassing exon(s) 8-9 of the TNNI3K gene. This deletion is out-of-frame, and is expected to create a premature translational stop signal and result in an absent or disrupted protein product. However, the current clinical and genetic evidence is not sufficient to establish whether loss-of-function variants in TNNI3K cause disease.

NC_000001.10:g.(?_74808506)_(74808883_?)del

Genes: FPGT-TNNI3K (FPGT-TNNI3K readthrough; plus strand), TNNI3K (TNNI3 interacting kinase; plus strand). Cytogenetic location: 1p31.1.
Variant type: Deletion.
Identifiers: ClinVar variation 2426251 (VCV002426251.4).